The following is an entry in ClinVar:

ClinVar aggregate classification (germline): Uncertain significance (1 of 4 stars; one submission).

Submission:

CeGaT Center for Human Genetics Tuebingen
Classification: Uncertain significance. Last evaluated: 2023-03-01. Review status: criteria provided, single submitter. Criteria: CeGaT Center For Human Genetics Tuebingen Variant Classification Criteria Version 2. Collection method: clinical testing. Allele origin: germline. Affected: yes. Observed: 1 variant allele.
Comment: SBF1: PM2

NM_002972.4(SBF1):c.22T>G (p.Phe8Val)

Gene: SBF1 (SET binding factor 1; minus strand). Cytogenetic location: 22q13.33.
Variant type: single nucleotide variant.
Coding change: c.22T>G on transcript NM_002972.4 (MANE Select); coding-DNA position 22, T replaced by G.
Protein change: p.Phe8Val; replaces phenylalanine 8 with valine.
Molecular consequence: missense variant.
Genome position (GRCh38, 1-based): chr22:50,474,819, A>C on the plus strand (T>G on the coding strand, the complement: SBF1 is on the minus strand). VCF-style: chr22-50474819-A-C. GRCh37 (hg19) VCF-style: chr22-50913248-A-C.
Other names: c.22T>G, p.Phe8Val (NM_001410794.1, NM_001410795.1, NM_197971.1 and 1 more transcripts); short protein forms F8V.
Identifiers: ClinVar variation 2653393 (VCV002653393.24), dbSNP rs2522138591, ClinGen allele CA412225329.